The following is an entry in ClinVar:

NM_182931.3(KMT2E):c.4778C>T (p.Thr1593Ile)

Gene: KMT2E (lysine methyltransferase 2E (inactive); plus strand). Cytogenetic location: 7q22.3.
Variant type: single nucleotide variant.
Coding change: c.4778C>T on transcript NM_182931.3 (MANE Select); coding-DNA position 4778, C replaced by T.
Protein change: p.Thr1593Ile; replaces threonine 1593 with isoleucine.
Molecular consequence: missense variant.
Genome position (GRCh38, 1-based): chr7:105,112,534, C>T. VCF-style: chr7-105112534-C-T. GRCh37 (hg19) VCF-style: chr7-104752981-C-T.
Other names: c.4778C>T, p.Thr1593Ile (NM_018682.4); short protein forms T1593I.
Identifiers: ClinVar variation 1098610 (VCV001098610.9), dbSNP rs111828689, ClinGen allele CA164024241.
Genomic context (GRCh38, chr7:105,112,534, plus strand): 5'-AAGGTAGTCTTTCTCAACAAACTGTGTTTACATCAGGACCAAATCAAGCACTTCCTGGCA[C>T]CACAAGCCAGCAAACAGTTCCAGGACACCACGTGACTCCAGGGCATTTTTTGCCCTCTCA-3'
Protein context (NP_891847.1, residues 1583-1603): TSGPNQALPG[Thr1593Ile]TSQQTVPGHH

ClinVar aggregate classification (germline): Uncertain significance. Review status: criteria provided, multiple submitters, no conflicts (2 of 4 stars). 3 submissions from 3 submitters: Uncertain significance (3). Last evaluated 2025-12-16.

Conditions:
O'Donnell-Luria-Rodan syndrome (ODLURO). Also called: KMT2E-Related Neurodevelopmental Disorder. Identifiers: MedGen C5193138, MONDO:0032793, OMIM 618512.
Inborn genetic diseases. Identifiers: MedGen C0950123, MeSH D030342.

Allele frequency attached by ClinVar (database versions not stated): gnomAD exomes below 0.00001; gnomAD 0.00001; TOPMed 0.00005.
gnomAD v4.1: 8 of 1,613,964 alleles (0.0005%); highest among the groups gnomAD compares: African/African-American, 0.008%; no homozygotes.

Submissions (3):

Labcorp Genetics (formerly Invitae), Labcorp
Classification: Uncertain significance. Last evaluated: 2025-12-16. Review status: criteria provided, single submitter. Criteria: Invitae Variant Classification Sherloc (09022015). Collection method: clinical testing. Allele origin: germline.
Comment: This sequence change replaces threonine, which is neutral and polar, with isoleucine, which is neutral and non-polar, at codon 1593 of the KMT2E protein (p.Thr1593Ile). This variant is present in population databases (rs111828689, gnomAD 0.007%). This variant has not been reported in the literature in individuals affected with KMT2E-related conditions. ClinVar contains an entry for this variant (Variation ID: 1098610). An algorithm developed to predict the effect of missense changes on protein structure and function (PolyPhen-2) suggests that this variant is likely to be disruptive. In summary, the available evidence is currently insufficient to determine the role of this variant in disease. Therefore, it has been classified as a Variant of Uncertain Significance.

Ambry Genetics
Classification: Uncertain significance for Inborn genetic diseases. Last evaluated: 2025-04-25. Review status: criteria provided, single submitter. Criteria: Ambry Variant Classification Scheme 2023. Collection method: clinical testing. Allele origin: germline.
Comment: The c.4778C>T (p.T1593I) alteration is located in exon 27 (coding exon 25) of the KMT2E gene. This alteration results from a C to T substitution at nucleotide position 4778, causing the threonine (T) at amino acid position 1593 to be replaced by an isoleucine (I). Based on data from the Genome Aggregation Database (gnomAD) database, the KMT2E c.4778C>T alteration was observed in 0.0007% (2/282,438) of total alleles studied, with a frequency of 0.004% (1/24,954) in the African subpopulation. This amino acid position is not well conserved in available vertebrate species. The p.T1593I alteration is predicted to be tolerated by in silico analysis. Based on insufficient or conflicting evidence, the clinical significance of this alteration remains unclear.

New York Genome Center
Classification: Uncertain significance for O'Donnell-Luria-Rodan syndrome. Last evaluated: 2021-05-28. Review status: criteria provided, single submitter. Criteria: NYGC Assertion Criteria 2020. Collection method: clinical testing. Allele origin: inherited. Observed: 3 heterozygotes. Clinical features observed: Global developmental delay (HP:0001263), Autism (HP:0000717), Seizure (HP:0001250), Migraine (HP:0002076), Neuralgia (HP:0033345). Study: CSER-NYCKidSeq.
Comment: The inherited c.4778C>T (p.Thr1593Ile) variant identified in the KMT2E gene substitutes a moderately conserved Threonine for Isoleucine at amino acid 1593/1859 (exon 27/27). This variant is found with low frequency in gnomAD(v3.0) (1 heterozygote, 0 homozygotes; allele frequency:6.6e-6), suggesting it is not a common benign variant in the populations represented in that database. In silico algorithms do not agree on the effect of this variant, as it is predicted both Damaging (SIFT; score:0.011) and Benign (REVEL; score:0.216) to the function of the canonical transcript. This variant is absent from ClinVar and to our current knowledge has not been reported in affected individuals in the literature. The p.Thr1593 residue is within a proline rich region of the protein, but outside of a mapped domain (UniProtKB: Q8IZD2). Given the lack of compelling evidence for its pathogenicity, the inherited c.4778C>T (p.Thr1593Ile) variant identified in the KMT2E gene is reported as a Variant of Uncertain Significance.